The following is an entry in ClinVar:

ClinVar aggregate classification (germline): Uncertain significance (1 of 4 stars; one submission).

Submission:

Labcorp Genetics (formerly Invitae), Labcorp
Classification: Uncertain significance. Last evaluated: 2021-08-24. Review status: criteria provided, single submitter. Criteria: Invitae Variant Classification Sherloc (09022015). Collection method: clinical testing. Allele origin: germline.
Comment: In summary, the available evidence is currently insufficient to determine the role of this variant in disease. Therefore, it has been classified as a Variant of Uncertain Significance. Variants that disrupt the consensus splice site are a relatively common cause of aberrant splicing (PMID: 17576681, 9536098). Algorithms developed to predict the effect of sequence changes on RNA splicing suggest that this variant may disrupt the consensus splice site. Experimental studies and prediction algorithms are not available or were not evaluated, and the functional significance of this variant is currently unknown. This variant has not been reported in the literature in individuals affected with RPS20-related conditions. The frequency data for this variant in the population databases is considered unreliable, as metrics indicate insufficient coverage at this position in the ExAC database. This sequence change affects the initiator methionine of the RPS20 mRNA. The next in-frame methionine is located at codon 56. This variant also falls at the last nucleotide of exon 1, which is part of the consensus splice site for this exon.

Literature cited by the submitters: PubMed 17576681; PubMed 9536098.

NM_001023.4(RPS20):c.3G>A (p.Met1Ile)

Gene: RPS20 (ribosomal protein S20; minus strand). Cytogenetic location: 8q12.1.
Variant type: single nucleotide variant.
Coding change: c.3G>A on transcript NM_001023.4 (MANE Select); coding-DNA position 3, G replaced by A.
Protein change: p.Met1Ile; changes the start codon (methionine 1).
Molecular consequence: missense variant, initiator codon variant.
Genome position (GRCh38, 1-based): chr8:56,074,381, C>T on the plus strand (G>A on the coding strand, the complement: RPS20 is on the minus strand). VCF-style: chr8-56074381-C-T. GRCh37 (hg19) VCF-style: chr8-56986940-C-T.
Other names: c.3G>A, p.Met1Ile (NM_001146227.3); short protein forms M1I.
Identifiers: ClinVar variation 1397479 (VCV001397479.6), dbSNP rs2129213522, ClinGen allele CA371284390.